The following is an entry in ClinVar:

ClinVar aggregate classification (germline): Uncertain significance. Review status: criteria provided, multiple submitters, no conflicts (2 of 4 stars). 2 submissions from 2 submitters: Uncertain significance (2). Last evaluated 2025-10-23.

Conditions:
Inborn genetic diseases. Identifiers: MedGen C0950123, MeSH D030342.

Allele frequency attached by ClinVar (database versions not stated): TOPMed 0.00001.
gnomAD v4.1: 28 of 1,613,630 alleles (0.0017%); highest among the groups gnomAD compares: African/African-American, 0.0027%; no homozygotes.

Submissions (2):

Labcorp Genetics (formerly Invitae), Labcorp
Classification: Uncertain significance. Last evaluated: 2025-10-23. Review status: criteria provided, single submitter. Criteria: Invitae Variant Classification Sherloc (09022015). Collection method: clinical testing. Allele origin: germline.
Comment: This sequence change replaces glycine, which is neutral and non-polar, with valine, which is neutral and non-polar, at codon 351 of the TNNI3K protein (p.Gly351Val). This variant is present in population databases (no rsID available, gnomAD 0.0009%). This variant has not been reported in the literature in individuals affected with TNNI3K-related conditions. ClinVar contains an entry for this variant (Variation ID: 1934643). Invitae Evidence Modeling of protein sequence and biophysical properties (such as structural, functional, and spatial information, amino acid conservation, physicochemical variation, residue mobility, and thermodynamic stability) has been performed for this missense variant. However, the output from this modeling did not meet the statistical confidence thresholds required to predict the impact of this variant on TNNI3K protein function. In summary, the available evidence is currently insufficient to determine the role of this variant in disease. Therefore, it has been classified as a Variant of Uncertain Significance.

Ambry Genetics
Classification: Uncertain significance for Inborn genetic diseases. Last evaluated: 2025-08-25. Review status: criteria provided, single submitter. Criteria: Ambry Variant Classification Scheme 2023. Collection method: clinical testing. Allele origin: germline.

NM_015978.3(TNNI3K):c.1052G>T (p.Gly351Val)

Genes: FPGT-TNNI3K (FPGT-TNNI3K readthrough; plus strand), TNNI3K (TNNI3 interacting kinase; plus strand). Cytogenetic location: 1p31.1.
Variant type: single nucleotide variant.
Coding change: c.1052G>T on transcript NM_015978.3 (MANE Select); coding-DNA position 1052, G replaced by T.
Protein change: p.Gly351Val; replaces glycine 351 with valine.
Molecular consequence: missense variant.
Genome position (GRCh38, 1-based): chr1:74,354,004, G>T. VCF-style: chr1-74354004-G-T. GRCh37 (hg19) VCF-style: chr1-74819688-G-T.
Other names: c.1052G>T (NM_015978.2); c.1355G>T, p.Gly452Val (NM_001112808.3, NM_001199327.2); short protein forms G351V, G452V.
Identifiers: ClinVar variation 1934643 (VCV001934643.6), dbSNP rs1270943695, ClinGen allele CA340784107.